The following is an entry in ClinVar:

ClinVar aggregate classification (germline): Uncertain significance (1 of 4 stars; one submission).

Allele frequency attached by ClinVar (database versions not stated): gnomAD exomes below 0.00001; TOPMed below 0.00001; ExAC 0.00001.
gnomAD v4.1: 2 of 1,614,208 alleles (0.00012%); highest among the groups gnomAD compares: South Asian, 0.0022%; no homozygotes.

Submission:

Ambry Genetics
Classification: Uncertain significance. Last evaluated: 2022-06-11. Review status: criteria provided, single submitter. Criteria: Ambry Variant Classification Scheme 2023. Collection method: clinical testing. Allele origin: germline.
Comment: The p.L1307F variant (also known as c.3919C>T), located in coding exon 4 of the ALPK2 gene, results from a C to T substitution at nucleotide position 3919. The leucine at codon 1307 is replaced by phenylalanine, an amino acid with highly similar properties. This amino acid position is conserved. In addition, this alteration is predicted to be tolerated by in silico analysis. Since supporting evidence is limited at this time, the clinical significance of this alteration remains unclear.

NM_052947.4(ALPK2):c.3919C>T (p.Leu1307Phe)

Genes: ALPK2 (alpha kinase 2; minus strand), LOC126862764 (BRD4-independent group 4 enhancer GRCh37_chr18:56202574-56203773; plus strand). Cytogenetic location: 18q21.31.
Variant type: single nucleotide variant.
Coding change: c.3919C>T on transcript NM_052947.4 (MANE Select); coding-DNA position 3919, C replaced by T.
Protein change: p.Leu1307Phe; replaces leucine 1307 with phenylalanine.
Molecular consequence: missense variant.
Genome position (GRCh38, 1-based): chr18:58,536,268, G>A on the plus strand (C>T on the coding strand, the complement: ALPK2 is on the minus strand). VCF-style: chr18-58536268-G-A. GRCh37 (hg19) VCF-style: chr18-56203500-G-A.
Other names: short protein forms L1307F.
Identifiers: ClinVar variation 1736166 (VCV001736166.2), dbSNP rs774263599, ClinGen allele CA8976809.